The following is an entry in ClinVar:

NM_139318.5(KCNH5):c.1909G>A (p.Asp637Asn)

Gene: KCNH5 (potassium voltage-gated channel subfamily H member 5; minus strand). Cytogenetic location: 14q23.2.
Variant type: single nucleotide variant.
Coding change: c.1909G>A on transcript NM_139318.5 (MANE Select); coding-DNA position 1909, G replaced by A.
Protein change: p.Asp637Asn; replaces aspartic acid 637 with asparagine.
Molecular consequence: missense variant. On other transcripts: intron variant (1).
Genome position (GRCh38, 1-based): chr14:62,779,838, C>T on the plus strand (G>A on the coding strand, the complement: KCNH5 is on the minus strand). VCF-style: chr14-62779838-C-T. GRCh37 (hg19) VCF-style: chr14-63246556-C-T.
Other names: c.1822+22491G>A (NM_172375.3); short protein forms D637N.
Identifiers: ClinVar variation 4798655 (VCV004798655.1).

ClinVar aggregate classification (germline): Uncertain significance (1 of 4 stars; one submission).

Conditions:
Early-infantile DEE. Also called: Ohtahara syndrome; Early infantile epileptic encephalopathy; Early infantile epileptic encephalopathy with suppression bursts. Identifiers: Orphanet 1934, MedGen C0393706, MONDO:0800491.

Submission:

Labcorp Genetics (formerly Invitae), Labcorp
Classification: Uncertain significance for Early-infantile DEE. Last evaluated: 2025-07-21. Review status: criteria provided, single submitter. Criteria: Invitae Variant Classification Sherloc (09022015). Collection method: clinical testing. Allele origin: germline.
Comment: This sequence change replaces aspartic acid, which is acidic and polar, with asparagine, which is neutral and polar, at codon 637 of the KCNH5 protein (p.Asp637Asn). This variant is not present in population databases (gnomAD no frequency). This variant has not been reported in the literature in individuals affected with KCNH5-related conditions. An algorithm developed to predict the effect of missense changes on protein structure and function (PolyPhen-2) suggests that this variant is likely to be disruptive. In summary, the available evidence is currently insufficient to determine the role of this variant in disease. Therefore, it has been classified as a Variant of Uncertain Significance.